The following is an entry in ClinVar:

ClinVar aggregate classification (germline): Benign (0 of 4 stars; one submission).

Conditions:
Obesity. Also called: Obesity disorder. Identifiers: Orphanet 71529, MedGen C0028754, MeSH D009765, MONDO:0011122, HP:0001513.

gnomAD v4.1: 5 of 1,599,918 alleles (0.00031%); highest among the groups gnomAD compares: Non-Finnish European, 0.00034%; no homozygotes.

Submission:

Dash Lab, University Health Network
Classification: Benign for Inherited obesity. Last evaluated: 2018-05-01. Review status: no assertion criteria provided. Collection method: research. Allele origin: germline. Affected: yes. Observed: 1 variant allele.
Comment: No functional studies performed. Protein change E23K. Familial co-segregation not assessed.

NM_001709.5(BDNF):c.-21-15633G>A

Genes: BDNF (brain derived neurotrophic factor; minus strand), BDNF-AS (BDNF antisense RNA; plus strand). Cytogenetic location: 11p14.1.
Variant type: single nucleotide variant.
Coding change: c.-21-15633G>A on transcript NM_001709.5 (MANE Select); 15633 bases into the intron before 21 bases upstream of the start codon, G replaced by A.
Molecular consequence: intron variant. On other transcripts: missense variant (1), 5 prime UTR variant (1).
Genome position (GRCh38, 1-based): chr11:27,674,218, C>T on the plus strand (G>A on the coding strand, the complement: BDNF is on the minus strand). VCF-style: chr11-27674218-C-T. GRCh37 (hg19) VCF-style: chr11-27695765-C-T.
Other names: c.67G>A, p.Glu23Lys (NM_001143810.2); c.-297G>A (NM_001143811.2); c.4-15633G>A (NM_170731.5); c.-21-15633G>A (NM_001143805.1, NM_001143806.1, NM_170732.4 and 5 more transcripts); c.67-15633G>A (NM_001143809.2); c.-128-15292G>A (NM_001143814.2); c.25-15633G>A (NM_170734.4); short protein forms E23K.
Identifiers: ClinVar variation 559486 (VCV000559486.3), dbSNP rs1564961192, ClinGen allele CA380073220.